The following is an entry in ClinVar:

NM_000264.5(PTCH1):c.1119del (p.Met372_Tyr373insTer)

Gene: PTCH1 (patched 1; minus strand). Cytogenetic location: 9q22.32.
Variant type: Deletion.
Coding change: c.1119del on transcript NM_000264.5 (MANE Select); coding-DNA position 1119, one base deleted (C; older notation c.1119delC).
Protein change: p.Met372_Tyr373insTer.
Molecular consequence: nonsense. On other transcripts: non-coding transcript variant (1).
Genome position (GRCh38, 1-based): chr9:95,479,096, G deleted on the plus strand (C on the coding strand, the reverse complement: PTCH1 is on the minus strand). VCF-style (leftmost placement, unchanged base first): chr9-95479095-CG-C. GRCh37 (hg19) VCF-style: chr9-98241377-CG-C.
Other names: c.921del, p.Met306_Tyr307insTer (NM_001083602.3); c.1116del, p.Met371_Tyr372insTer (NM_001083603.3); c.666del, p.Met221_Tyr222insTer (NM_001083604.3, NM_001083605.3, NM_001083606.3 and 1 more transcripts); c.1119del, p.Met372_Tyr373insTer (NM_001354918.2).
Identifiers: ClinVar variation 428857 (VCV000428857.5), dbSNP rs1131691002, ClinGen allele CA645369455.
Genomic context (GRCh38, chr9:95,479,095, plus strand): 5'-CTGCCGCTTTGTCCTCGTTCCAGTTGATGTGTGAGACATACTCGTACCCCTTGAAGTGCT[CG>C]TACATTTGCTTGGGAGTCATTAACTGGAACATGGTCTGCAGGGCATGGGCGCTGCAGCAC-3'

ClinVar aggregate classification (germline): Pathogenic (1 of 4 stars; one submission).

Conditions:
Hereditary cancer-predisposing syndrome. Also called: Hereditary Cancer Syndrome; Neoplastic Syndromes, Hereditary; Hereditary neoplastic syndrome; Tumor predisposition. Identifiers: Orphanet 140162, MedGen C0027672, MeSH D009386, MONDO:0015356.

Submission:

Ambry Genetics
Classification: Pathogenic for Hereditary cancer-predisposing syndrome. Last evaluated: 2016-06-15. Review status: criteria provided, single submitter. Criteria: Ambry Variant Classification Scheme 2023. Collection method: clinical testing. Allele origin: germline.
Comment: The c.1119delC pathogenic mutation (also known as p.Y373*), located in coding exon 8 of the PTCH1 gene, results from a deletion of one nucleotide at nucleotide position 1119. This changes the amino acid from a tyrosine to a stop codon within coding exon 8. Since premature stop codons are typically deleterious in nature, this alteration is interpreted as a disease-causing mutation (ACMG Recommendations for Standards for Interpretation and Reporting of Sequence Variations. Revision 2007. Genet Med. 2008;10:294).